The following is an entry in ClinVar:

ClinVar aggregate classification (germline): Pathogenic. Review status: reviewed by expert panel (3 of 4 stars). 13 submissions from 12 submitters: Pathogenic (1). 12 of the submissions do not count toward it. Last evaluated 2022-07-25.

Conditions:
Mitochondrial complex I deficiency, mitochondrial type 1. Also called: Mitochondrial complex 1 deficiency, mitochondrial type 1. Identifiers: MedGen C4746992, MONDO:0027068, OMIM 500014.
Primary Mitochondrial Disorders. Identifiers: MedGen CN381104.
Leigh syndrome, mitochondrial. Identifiers: MedGen CN377802, MONDO:0970944, OMIM 500017.
Mitochondrial myopathy, episodic, with optic atrophy and reversible leukoencephalopathy. Also called: MULTIPLE MITOCHONDRIAL DYSFUNCTIONS SYNDROME 8; MITOCHONDRIAL MYOPATHY, EPISODIC, WITH OR WITHOUT OPTIC ATROPHY AND REVERSIBLE LEUKOENCEPHALOPATHY. Identifiers: MedGen C5193223, MONDO:0020714, OMIM 251900.
Mitochondrial DNA-Associated Leigh Syndrome and NARP. Identifiers: MedGen CN043634.
Mitochondrial disease. Also called: Mitochondrial disorder; Mitochondrial disorders. Identifiers: Orphanet 68380, MedGen C0751651, MeSH D028361, MONDO:0044970.
Leber optic atrophy and dystonia. Also called: LHON and dystonia; Dystonia familial, with visual failure and striatal lucencies; Leber's hereditary optic neuropathy with dystonia; MARSDEN SYNDROME. Identifiers: Orphanet 99718, MedGen C1839040, MONDO:0010772, OMIM 500001.
Leigh syndrome (NULS). Also called: Leigh's syndrome; Subacute necrotizing encephalopathy; Necrotizing encephalopathy infantile subacute of Leigh; Leigh's necrotizing encephalopathy; Leigh's disease; LEIGH SYNDROME, NUCLEAR. Identifiers: Orphanet 506, MedGen C2931891, MONDO:0009723, OMIM 256000.

Submissions (13):

ClinGen Mitochondrial Disease Nuclear and Mitochondrial  Variant Curation Expert Panel, ClinGen
Classification: Pathogenic for Mitochondrial disease. Last evaluated: 2022-07-25. Review status: reviewed by expert panel. Criteria: clingen mito disease acmg specifications v1-1. Collection method: curation. Allele origin: germline. Inheritance: Mitochondrial inheritance.
Comment: The m.10197G>A (p.A47T) variant in MT-ND3 has been reported in at least 22 probands with primary mitochondrial disease. Affected individuals had variable ages of onset (first months of life to childhood to adulthood). Features included Leigh syndrome, Leigh syndrome/MELAS overlap, and LHON with good visual recovery. Heteroplasmy levels were variable among tissues and affected individuals, and ranged from 10% (in an individual with LHON) to homoplasmy (in an individual with Leigh syndrome; PS4; PMIDs: 15372108, 17152068, 17413873, 18977334, 19458970, 20818383, 20972245, 24708134, 30128709, 30199507, 30776730, 32045392; two articles with no PMIDs: Pereira et al., 2019; JIEMS, 2019, Vol7: e20180003; Huang et al., 2017, J Clin Exp Ophthalmol 2017, 8:4). This variant segregated with disease in multiple affected members in multiple families and several healthy family members had lower to undetectable levels of the variant (PP1_moderate; PMIDs: 17152068, 17413873, 30128709, 30776730). This variant occurred de novo in at least three individuals (PM6_moderate, PMIDs: 24708134, 17413873; article with no PMID: Huang et al., 2017, J Clin Exp Ophthalmol 2017, 8:4). There are four occurrences of this variant in the GenBank dataset, and three of these four are not listed as patient sequences. However, upon discussion on the Expert Panel (EP) call, concern was raised that phylogenetic studies use patient samples and submit these to GenBank. This variant is absent in gnomAD v3.1.2 and in Helix dataset so the EP agreed to consider this supporting line of evidence (PM2_supporting). Cybrid studies showed a correlation between higher heteroplasmy level and lower complex I activity (PS3_supporting, PMID: 17152068). The computational predictor APOGEE gives a consensus rating of pathogenic with a score of 0.88 (Min=0, Max=1), which predicts a damaging effect on gene function (PP3). In summary, this variant meets criteria to be classified as pathogenic for primary mitochondrial disease inherited in a mitochondrial manner. This classification was approved by the NICHD/NINDS U24 Mitochondrial Disease Variant Curation Expert Panel on July 25, 2022. Mitochondrial DNA-specific ACMG/AMP criteria applied (PMID: 32906214): PM2_supporting, PP3, PP1_moderate, PS3_supporting, PM6_moderate, PS4.

Variantyx, Inc.
Classification: Pathogenic for Primary mitochondrial disorders. Last evaluated: 2026-01-11. Review status: criteria provided, single submitter. Criteria: Variantyx Assertion Criteria 2022. Collection method: clinical testing. Allele origin: germline. Not counted in ClinVar's aggregate classification.
Comment: The m.10197G>A, c.139G>A, p.Ala47Thr change is a nonsynonymous single nucleotide variant in the MT-ND3 gene. Pathogenic variants in this gene have been associated with primary mitochondrial disorders. This variant has been reported in at least 22 unrelated affected individuals (PMID: 17152068, 17413873, 19458970, 20301352) (PS4) and it has been observed to segregate with disease in multiple individuals from multiple families. Unaffected family members may have lower to undetectable levels of the variant (PMID: 17152068, 17413873, 30128709, 30776730) (PP1). Functional studies show a deleterious effect for this variant (PMID: 17152068) (PS3) supported by computational algorithms (PP3). This variant is absent from control populations (PM2). Other reputable laboratories have reported this variant as pathogenic or likely pathogenic, and this classification has been validated by an expert panel in ClinVar (PP5). Based on the current evidence, this variant is classified as pathogenic for primary mitochondrial disorders.

3billion
Classification: Pathogenic for Leigh syndrome, mitochondrial. Last evaluated: 2025-08-07. Review status: criteria provided, single submitter. Criteria: ACMG Guidelines, 2015. Collection method: clinical testing. Allele origin: germline. Affected: yes. Not counted in ClinVar's aggregate classification.
Comment: The variant is not observed in the gnomAD v4.1.0 dataset. Predicted Consequence/Location: Mitochondrial variant In silico tool predictions suggest damaging effect of the variant on gene or gene product [APOGEE2: 0.84 (>= 0.716)]. The same nucleotide change resulting in the same amino acid change has been previously reported as pathogenic/likely pathogenic with strong evidence (3billion dataset/ClinVar ID: VCV000009715). The variant has been observed in multiple (>3) similarly affected unrelated individuals (PMID: 15372108, 17152068, 17413873, 18977334, 19458970, 20818383, 20972245, 24708134, 30128709, 30199507, 30776730, 32045392). The variant has been previously reported as assumed (i.e. paternity and maternity not confirmed) de novo in at least two similarly affected unrelated individuals (PMID: 17413873, 24708134). A different missense change at the same codon (p.Ala47Pro) has been reported as pathogenic/likely pathogenic with strong evidence (Mitomap PMID: 38437941). Therefore, this variant is classified as Pathogenic according to the recommendation of ACMG/AMP guideline.

Equipe Genetique des Anomalies du Developpement, Université de Bourgogne
Classification: Likely pathogenic. Last evaluated: 2023-06-15. Review status: criteria provided, single submitter. Criteria: ACMG Guidelines, 2015. Collection method: clinical testing. Allele origin: unknown. Inheritance: Mitochondrial inheritance. Affected: yes. Not counted in ClinVar's aggregate classification.

Institute for Medical Genetics and Human Genetics, Charité - Universitätsmedizin Berlin
Classification: Pathogenic. Last evaluated: 2022-09-22. Review status: criteria provided, single submitter. Criteria: ACMG Guidelines, 2015. Collection method: clinical testing. Allele origin: germline. Inheritance: Mitochondrial inheritance. Affected: yes. Observed: 2 homozygotes. Clinical features observed: Nephrocalcinosis (HP:0000121), Gait ataxia (HP:0002066), Basal ganglia calcification (HP:0002135), Increased CSF lactate (HP:0002490). Not counted in ClinVar's aggregate classification.

Mendelics
Classification: Pathogenic for Mitochondrial DNA-Associated Leigh Syndrome and NARP. Last evaluated: 2022-05-04. Review status: criteria provided, single submitter. Criteria: Mendelics Assertion Criteria 2019. Collection method: clinical testing. Allele origin: germline. Not counted in ClinVar's aggregate classification.

Wong Mito Lab, Molecular and Human Genetics, Baylor College of Medicine
Classification: Pathogenic for Leigh syndrome. Last evaluated: 2019-10-17. Review status: criteria provided, single submitter. Criteria: Modified ACMG Guidelines (Unpublished). Collection method: clinical testing. Allele origin: germline. Not counted in ClinVar's aggregate classification.
Comment: The NC_012920.1:m.10197G>A (YP_003024033.1:p.Ala47Thr) variant in MTND3 gene is interpretated to be a Pathogenic variant based on the modified ACMG guidelines (unpublished). This variant meets the following evidence codes: PS1, PM9, PM10, PP4, PP6

ARUP Laboratories, Molecular Genetics and Genomics, ARUP Laboratories
Classification: Pathogenic. Last evaluated: 2017-09-29. Review status: criteria provided, single submitter. Criteria: ARUP Molecular Germline Variant Investigation Process. Collection method: clinical testing. Allele origin: germline. Not counted in ClinVar's aggregate classification.
Comment: The m.10197G>A variant (rs267606891) affects the MT-ND3 gene involved in mitochondrial complex I (CI) function, and has been identified in several patients with symptoms of Leigh disease (LD), LD-like, dystonia, and/or other symptoms associated with CI dysfunction (see link to GeneReviews below). This variant was first identified by Kirby (2004), wherein a patient harboring this variant is described as having LD-like symptoms and was shown to have reduced CI activity in cultured fibroblasts. Subsequent studies have also identified this variant in a French family affected with LS (Sarzi 2007), a Korean family with basal ganglia lesions (Chae 2007), and a single individual with LS (Valente 2009). All affected individuals studied have also been shown to have reduced CI activity in cell culture. Also, when analyzed, the degree of heteroplasmy tracks with disease severity, with asymptomatic carriers showing reduced levels of variant load compared to affected patients. Additionally, this variant is rare in MITOMAP, and is not associated with any particular haplogroup. Therefore, the m.10197G>A variant satisfies our criteria for classification as pathogenic.

Pediatric Department, Xiangya Hospital, Central South University
Classification: Likely pathogenic for Leigh syndrome. Review status: criteria provided, single submitter. Criteria: ACMG Guidelines, 2015. Collection method: clinical testing. Allele origin: de novo. Affected: yes. Not counted in ClinVar's aggregate classification.

Solve-RD Consortium
Classification: Likely pathogenic for Mitochondrial myopathy, episodic, with optic atrophy and reversible leukoencephalopathy. Last evaluated: 2022-06-01. Review status: no assertion criteria provided. Collection method: provider interpretation. Allele origin: maternal. Affected: yes. Not counted in ClinVar's aggregate classification.
Comment: Variant confirmed as disease-causing by referring clinical team

Variant identified during reanalysis of unsolved cases by the Solve-RD project. The Solve-RD project has received funding from the European Union’s Horizon 2020 research and innovation programme under grant agreement No 779257.

OMIM
Classification: Pathogenic for MITOCHONDRIAL COMPLEX I DEFICIENCY, MITOCHONDRIAL TYPE 1. Last evaluated: 2009-10-01. Review status: no assertion criteria provided. Collection method: literature only. Allele origin: germline. Not counted in ClinVar's aggregate classification.

OMIM
Classification: Pathogenic for LEBER OPTIC ATROPHY AND DYSTONIA. Last evaluated: 2009-10-01. Review status: no assertion criteria provided. Collection method: literature only. Allele origin: germline. Not counted in ClinVar's aggregate classification.

GeneReviews
No classification provided. Condition: Leigh syndrome. Review status: no classification provided. Collection method: literature only. Allele origin: germline. Not counted in ClinVar's aggregate classification.

Literature cited by the submitters: PubMed 19458970 (cited by 3 submitters); PubMed 38437941 (cited by 3billion); PubMed 30776730 (cited by 3billion); PubMed 17413873 (cited by 3billion and OMIM); PubMed 15372108 (cited by 3billion); PubMed 18977334 (cited by 3billion); PubMed 20972245 (cited by 3billion); PubMed 30128709 (cited by 3billion); PubMed 32045392 (cited by 3billion); PubMed 20818383 (cited by 3billion); PubMed 30199507 (cited by 3billion); PubMed 24708134 (cited by 3billion); PubMed 17152068 (cited by 3 submitters); PubMed 39825153 (cited by Solve-RD Consortium); NCBI Bookshelf NBK1173 (cited by GeneReviews).

NC_012920.1(MT-ND3):m.10197G>A

Gene: MT-ND3 (mitochondrially encoded NADH dehydrogenase 3; plus strand).
Variant type: single nucleotide variant.
Genome position: chrM-10197-G-A.
Other names: MTND3, 10197G-A, ALA47THR; A47T.
Identifiers: ClinVar variation 9715 (VCV000009715.45), dbSNP rs267606891, ClinGen allele CA120640.